The following is an entry in ClinVar:

NM_005159.5(ACTC1):c.809-58TG[26]

Genes: ACTC1 (actin alpha cardiac muscle 1; minus strand), GJD2-DT (GJD2 divergent transcript; plus strand). Cytogenetic location: 15q14.
Variant type: Microsatellite.
Coding change: c.809-58TG[26] on transcript NM_005159.5 (MANE Select); 26 copies in a row of the 2-base unit TG starting at c.809-58; the reference has 23 copies in a row; three copies, 6 bases duplicated.
Molecular consequence: intron variant.
Genome position (GRCh38, 1-based): chr15:34,791,308-34,791,313, CACACA duplicated on the plus strand (TGTGTG on the coding strand, the reverse complement: ACTC1 is on the minus strand); duplicating any 6 consecutive bases within chr15:34,791,308-34,791,353 gives the same sequence; the position shown is the placement nearest the transcript's 3' end. VCF-style (leftmost placement, unchanged base first): chr15-34791307-T-TCACACA. GRCh37 (hg19) VCF-style: chr15-35083508-T-TCACACA.
Identifiers: ClinVar variation 315706 (VCV000315706.21), dbSNP rs59431308, ClinGen allele CA10646878.
Genomic context (GRCh38, chr15:34,791,307, plus strand): 5'-TTCATGATGCTATTGTAAGTTGTTTCATGGATGCCAGCAGATTCCATACCTGGGAACGAG[T>TCACACA]CACACACACACACACACACACACACACACACACACACACACACACATCACAGTGCATTCA-3'

ClinVar aggregate classification (germline): Benign/Likely benign. Review status: criteria provided, multiple submitters, no conflicts (2 of 4 stars). 6 submissions from 6 submitters: Benign (2); Likely benign (2). 2 of the submissions do not count toward it. Last evaluated 2026-02-04.

Conditions:
Hypertrophic cardiomyopathy 11. Also called: ACTC1-Related Familial Hypertrophic Cardiomyopathy. Identifiers: MedGen C2677506, MONDO:0012799, OMIM 612098.
Atrial septal defect 5 (ASD5). Identifiers: Orphanet 1478, MedGen C2748552, MONDO:0013011, OMIM 612794.
Dilated cardiomyopathy 1R (CMD1R). Identifiers: Orphanet 154, Orphanet 54260, MedGen C3150681, MONDO:0013261, OMIM 613424.

Submissions (6):

Labcorp Genetics (formerly Invitae), Labcorp
Classification: Likely benign for Dilated cardiomyopathy 1R; Hypertrophic cardiomyopathy 11; Atrial septal defect 5. Last evaluated: 2026-02-04. Review status: criteria provided, single submitter. Criteria: Invitae Variant Classification Sherloc (09022015). Collection method: clinical testing. Allele origin: germline.

Blueprint Genetics
Classification: Likely benign. Last evaluated: 2024-11-25. Review status: criteria provided, single submitter. Criteria: ACMG Guidelines, 2015. Collection method: clinical testing. Allele origin: germline.

GeneDx
Classification: Benign. Last evaluated: 2019-08-15. Review status: criteria provided, single submitter. Criteria: GeneDx Variant Classification Process June 2021. Collection method: clinical testing. Allele origin: germline. Affected: yes.

Women's Health and Genetics/Laboratory Corporation of America, LabCorp
Classification: Benign. Last evaluated: 2019-08-13. Review status: criteria provided, single submitter. Criteria: LabCorp Variant Classification Summary - May 2015. Collection method: clinical testing. Allele origin: germline.
Comment: Variant summary: ACTC1 c.809-18_809-13dupTGTGTG alters a nucleotide located close to a canonical splice site and therefore could affect mRNA splicing, leading to a significantly altered protein sequence. 5/5 computational tools predict no significant impact on normal splicing. However, these predictions have yet to be confirmed by functional studies. The variant allele was found at a frequency of 0.046 in 24922 control chromosomes, predominantly at a frequency of 0.059 within the Non-Finnish European subpopulation in the gnomAD database, including 47 homozygotes. The observed variant frequency within Non-Finnish European control individuals in the gnomAD database is approximately 2360-folds over the estimated maximal expected allele frequency for a pathogenic variant in ACTC1 causing Cardiomyopathy phenotype (2.5e-05), strongly suggesting that the variant is a benign polymorphism found primarily in populations of Non-Finnish European origin. A ClinVar submission (evaluation after 2014) cites the variant as uncertain significance. Based on the evidence outlined above, the variant was classified as benign.

Diagnostic Laboratory, Department of Genetics, University Medical Center Groningen
Classification: Benign. Review status: no assertion criteria provided. Collection method: clinical testing. Allele origin: germline. Affected: yes. Study: VKGL Data-share Consensus. Not counted in ClinVar's aggregate classification.

Joint Genome Diagnostic Labs from Nijmegen and Maastricht, Radboudumc and MUMC+
Classification: Likely benign. Review status: no assertion criteria provided. Collection method: clinical testing. Allele origin: germline. Affected: yes. Study: VKGL Data-share Consensus. Not counted in ClinVar's aggregate classification.